The following is an entry in ClinVar:

NM_001482.3(GATM):c.932T>C (p.Ile311Thr)

Gene: GATM (glycine amidinotransferase; minus strand). Cytogenetic location: 15q21.1.
Variant type: single nucleotide variant.
Coding change: c.932T>C on transcript NM_001482.3 (MANE Select); coding-DNA position 932, T replaced by C.
Protein change: p.Ile311Thr; replaces isoleucine 311 with threonine.
Molecular consequence: missense variant.
Genome position (GRCh38, 1-based): chr15:45,366,092, A>G on the plus strand (T>C on the coding strand, the complement: GATM is on the minus strand). VCF-style: chr15-45366092-A-G. GRCh37 (hg19) VCF-style: chr15-45658290-A-G.
Other names: c.545T>C, p.Ile182Thr (NM_001321015.2); short protein forms I182T, I311T.
Identifiers: ClinVar variation 1018056 (VCV001018056.10), dbSNP rs1460902723, ClinGen allele CA392257605.

ClinVar aggregate classification (germline): Uncertain significance. Review status: criteria provided, multiple submitters, no conflicts (2 of 4 stars). 4 submissions from 4 submitters: Uncertain significance (4). Last evaluated 2025-03-16.

Conditions:
Inborn genetic diseases. Identifiers: MedGen C0950123, MeSH D030342.
Arginine:glycine amidinotransferase deficiency (CCDS3). Also called: AGAT deficiency; Cerebral creatine deficiency syndrome 3; L-Arginine:Glycine Amidinotransferase Deficiency; Creatine deficiency syndrome due to AGAT deficiency; GATM deficiency; L-Arginine:Glycine Amidinotransferase (AGAT) Deficiency. Identifiers: Orphanet 35704, MedGen C2675179, MONDO:0012996, OMIM 612718.
Fanconi renotubular syndrome 1. Also called: Toni-Debre-Fanconi syndrome; Neonatal De Toni-Debre-Fanconi syndrome; De Toni-Fanconi syndrome; FRTS1; LUDER-SHELDON SYNDROME. Identifiers: MedGen C4551503, MONDO:0024525, OMIM 134600.

Allele frequency attached by ClinVar (database versions not stated): gnomAD exomes below 0.00001 and 0.00001.
gnomAD v4.1: 18 of 1,614,176 alleles (0.0011%); highest among the groups gnomAD compares: Admixed American, 0.0017%; no homozygotes.

Submissions (4):

Labcorp Genetics (formerly Invitae), Labcorp
Classification: Uncertain significance for Arginine:glycine amidinotransferase deficiency. Last evaluated: 2025-03-16. Review status: criteria provided, single submitter. Criteria: Invitae Variant Classification Sherloc (09022015). Collection method: clinical testing. Allele origin: germline.
Comment: This sequence change replaces isoleucine, which is neutral and non-polar, with threonine, which is neutral and polar, at codon 311 of the GATM protein (p.Ile311Thr). This variant is present in population databases (no rsID available, gnomAD 0.003%). This variant has not been reported in the literature in individuals affected with GATM-related conditions. ClinVar contains an entry for this variant (Variation ID: 1018056). Invitae Evidence Modeling of protein sequence and biophysical properties (such as structural, functional, and spatial information, amino acid conservation, physicochemical variation, residue mobility, and thermodynamic stability) indicates that this missense variant is expected to disrupt GATM protein function with a positive predictive value of 95%. In summary, the available evidence is currently insufficient to determine the role of this variant in disease. Therefore, it has been classified as a Variant of Uncertain Significance.

Fulgent Genetics
Classification: Uncertain significance for Fanconi renotubular syndrome 1; Arginine:glycine amidinotransferase deficiency. Last evaluated: 2024-01-31. Review status: criteria provided, single submitter. Criteria: ACMG Guidelines, 2015. Collection method: clinical testing. Allele origin: germline.

Ambry Genetics
Classification: Uncertain significance for Inborn genetic diseases. Last evaluated: 2023-10-13. Review status: criteria provided, single submitter. Criteria: Ambry Variant Classification Scheme 2023. Collection method: clinical testing. Allele origin: germline.

GeneDx
Classification: Uncertain significance. Last evaluated: 2022-01-20. Review status: criteria provided, single submitter. Criteria: GeneDx Variant Classification Process June 2021. Collection method: clinical testing. Allele origin: germline. Affected: yes.
Comment: Not observed at significant frequency in large population cohorts (gnomAD); In silico analysis supports that this missense variant has a deleterious effect on protein structure/function; Has not been previously published as pathogenic or benign to our knowledge